The following is an entry in ClinVar:

NM_031935.3(HMCN1):c.974G>A (p.Arg325Gln)

Gene: HMCN1 (hemicentin 1; plus strand). Cytogenetic location: 1q31.1.
Variant type: single nucleotide variant.
Coding change: c.974G>A on transcript NM_031935.3 (MANE Select); coding-DNA position 974, G replaced by A.
Protein change: p.Arg325Gln; replaces arginine 325 with glutamine.
Molecular consequence: missense variant.
Genome position (GRCh38, 1-based): chr1:185,922,452, G>A. VCF-style: chr1-185922452-G-A. GRCh37 (hg19) VCF-style: chr1-185891584-G-A.
Other names: short protein forms R325Q.
Identifiers: ClinVar variation 874519 (VCV000874519.9), dbSNP rs202206115, ClinGen allele CA1291000.

ClinVar aggregate classification (germline): Uncertain significance. Review status: criteria provided, multiple submitters, no conflicts (2 of 4 stars). 3 submissions from 3 submitters: Uncertain significance (3). Last evaluated 2023-09-20.

Conditions:
Age related macular degeneration 1 (ARMD1). Also called: MACULOPATHY, AGE-RELATED, 1. Identifiers: MedGen C1864205, MONDO:0011285, OMIM 603075.

Allele frequency attached by ClinVar (database versions not stated): gnomAD exomes 0.00004 and 0.00014; ExAC 0.00005; gnomAD 0.00010 and 0.00011; TOPMed 0.00010; ESP Exome Variant Server 0.00023.
gnomAD v4.1: 222 of 1,613,518 alleles (0.014%); highest among the groups gnomAD compares: Non-Finnish European, 0.017%; no homozygotes.

Submissions (3):

Labcorp Genetics (formerly Invitae), Labcorp
Classification: Uncertain significance. Last evaluated: 2023-09-20. Review status: criteria provided, single submitter. Criteria: Invitae Variant Classification Sherloc (09022015). Collection method: clinical testing. Allele origin: germline.
Comment: In summary, the available evidence is currently insufficient to determine the role of this variant in disease. Therefore, it has been classified as a Variant of Uncertain Significance. Algorithms developed to predict the effect of missense changes on protein structure and function output the following: SIFT: "Not Available"; PolyPhen-2: "Benign"; Align-GVGD: "Not Available". The glutamine amino acid residue is found in multiple mammalian species, which suggests that this missense change does not adversely affect protein function. ClinVar contains an entry for this variant (Variation ID: 874519). This variant has not been reported in the literature in individuals affected with HMCN1-related conditions. This variant is present in population databases (rs202206115, gnomAD 0.006%). This sequence change replaces arginine, which is basic and polar, with glutamine, which is neutral and polar, at codon 325 of the HMCN1 protein (p.Arg325Gln).

Genome-Nilou Lab
Classification: Uncertain significance for Age related macular degeneration 1. Last evaluated: 2023-04-11. Review status: criteria provided, single submitter. Criteria: ACMG Guidelines, 2015. Collection method: clinical testing. Allele origin: germline. Affected: no.

Illumina Laboratory Services, Illumina
Classification: Uncertain significance for Age related macular degeneration 1. Last evaluated: 2018-01-12. Review status: criteria provided, single submitter. Criteria: ICSL Variant Classification Criteria 13 December 2019. Collection method: clinical testing. Allele origin: germline.